The following is an entry in ClinVar:

ClinVar aggregate classification (germline): Uncertain significance (1 of 4 stars; one submission).

Conditions:
Hermansky-Pudlak syndrome 2 (HPS2). Also called: Platelet defects and oculocutaneous albinism. Identifiers: Orphanet 183678, Orphanet 79430, MedGen C1842362, MONDO:0011997, OMIM 608233.

Submission:

Labcorp Genetics (formerly Invitae), Labcorp
Classification: Uncertain significance for Hermansky-Pudlak syndrome 2. Last evaluated: 2026-01-20. Review status: criteria provided, single submitter. Criteria: Invitae Variant Classification Sherloc (09022015). Collection method: clinical testing. Allele origin: germline.
Comment: This sequence change replaces tyrosine, which is neutral and polar, with histidine, which is basic and polar, at codon 371 of the AP3B1 protein (p.Tyr371His). This variant is not present in population databases (gnomAD no frequency). This variant has not been reported in the literature in individuals affected with AP3B1-related conditions. ClinVar contains an entry for this variant (Variation ID: 3695413). An algorithm developed to predict the effect of missense changes on protein structure and function (PolyPhen-2) suggests that this variant is likely to be tolerated. In summary, the available evidence is currently insufficient to determine the role of this variant in disease. Therefore, it has been classified as a Variant of Uncertain Significance.

NM_003664.5(AP3B1):c.1111T>C (p.Tyr371His)

Gene: AP3B1 (adaptor related protein complex 3 subunit beta 1; minus strand). Cytogenetic location: 5q14.1.
Variant type: single nucleotide variant.
Coding change: c.1111T>C on transcript NM_003664.5 (MANE Select); coding-DNA position 1111, T replaced by C.
Protein change: p.Tyr371His; replaces tyrosine 371 with histidine.
Molecular consequence: missense variant.
Genome position (GRCh38, 1-based): chr5:78,175,682, A>G on the plus strand (T>C on the coding strand, the complement: AP3B1 is on the minus strand). VCF-style: chr5-78175682-A-G. GRCh37 (hg19) VCF-style: chr5-77471506-A-G.
Other names: c.964T>C, p.Tyr322His (NM_001271769.2); c.1111T>C, p.Tyr371His (NM_001410752.1); short protein forms Y322H, Y371H.
Identifiers: ClinVar variation 3695413 (VCV003695413.2).